The following is an entry in ClinVar:

NM_000350.3(ABCA4):c.568C>T (p.Gln190Ter)

Gene: ABCA4 (ATP binding cassette subfamily A member 4; minus strand). Cytogenetic location: 1p22.1.
Variant type: single nucleotide variant.
Coding change: c.568C>T on transcript NM_000350.3 (MANE Select); coding-DNA position 568, C replaced by T.
Protein change: p.Gln190Ter; replaces glutamine 190 with a stop codon.
Molecular consequence: nonsense.
Genome position (GRCh38, 1-based): chr1:94,103,017, G>A on the plus strand (C>T on the coding strand, the complement: ABCA4 is on the minus strand). VCF-style: chr1-94103017-G-A. GRCh37 (hg19) VCF-style: chr1-94568573-G-A.
Other names: c.568C>T, p.Gln190Ter (NM_001425324.1); short protein forms Q190*.
Identifiers: ClinVar variation 2706044 (VCV002706044.3), dbSNP rs2523979862, ClinGen allele CA341290569.

ClinVar aggregate classification (germline): Pathogenic (1 of 4 stars; one submission).

Submission:

Labcorp Genetics (formerly Invitae), Labcorp
Classification: Pathogenic. Last evaluated: 2023-12-28. Review status: criteria provided, single submitter. Criteria: Invitae Variant Classification Sherloc (09022015). Collection method: clinical testing. Allele origin: germline.
Comment: This sequence change creates a premature translational stop signal (p.Gln190*) in the ABCA4 gene. It is expected to result in an absent or disrupted protein product. Loss-of-function variants in ABCA4 are known to be pathogenic (PMID: 10958761, 24938718, 25312043, 26780318). This variant is not present in population databases (gnomAD no frequency). This variant has not been reported in the literature in individuals affected with ABCA4-related conditions. Algorithms developed to predict the effect of sequence changes on RNA splicing suggest that this variant may disrupt the consensus splice site. For these reasons, this variant has been classified as Pathogenic.

Literature cited by the submitters: PubMed 10958761; PubMed 24938718; PubMed 25312043; PubMed 26780318.